The following is an entry in ClinVar:

ClinVar aggregate classification (germline): Uncertain significance (1 of 4 stars; one submission).

gnomAD v4.1: 27 of 1,607,294 alleles (0.0017%); highest among the groups gnomAD compares: Non-Finnish European, 0.0023%; no homozygotes.

Submission:

GeneDx
Classification: Uncertain significance. Last evaluated: 2023-10-30. Review status: criteria provided, single submitter. Criteria: GeneDx Variant Classification Process June 2021. Collection method: clinical testing. Allele origin: germline. Affected: yes.
Comment: Not observed at significant frequency in large population cohorts (gnomAD); In silico analysis supports that this missense variant does not alter protein structure/function; Has not been previously published as pathogenic or benign to our knowledge

NM_017866.6(TMEM70):c.766C>T (p.His256Tyr)

Gene: TMEM70 (transmembrane protein 70; plus strand). Cytogenetic location: 8q21.11.
Variant type: single nucleotide variant.
Coding change: c.766C>T on transcript NM_017866.6 (MANE Select); coding-DNA position 766, C replaced by T.
Protein change: p.His256Tyr; replaces histidine 256 with tyrosine.
Molecular consequence: missense variant. On other transcripts: 3 prime UTR variant (1), non-coding transcript variant (1).
Genome position (GRCh38, 1-based): chr8:73,981,604, C>T. VCF-style: chr8-73981604-C-T. GRCh37 (hg19) VCF-style: chr8-74893839-C-T.
Other names: c.*456C>T (NM_001040613.3); short protein forms H256Y.
Identifiers: ClinVar variation 3363620 (VCV003363620.1).